The following is an entry in ClinVar:

NM_001365951.3(KIF1B):c.4238C>T (p.Ala1413Val)

Gene: KIF1B (kinesin family member 1B; plus strand). Cytogenetic location: 1p36.22.
Variant type: single nucleotide variant.
Coding change: c.4238C>T on transcript NM_001365951.3 (MANE Select); coding-DNA position 4238, C replaced by T.
Protein change: p.Ala1413Val; replaces alanine 1413 with valine.
Molecular consequence: missense variant.
Genome position (GRCh38, 1-based): chr1:10,361,759, C>T. VCF-style: chr1-10361759-C-T. GRCh37 (hg19) VCF-style: chr1-10421817-C-T.
Other names: c.4238C>T, p.Ala1413Val (NM_001365952.1); c.4100C>T, p.Ala1367Val (NM_015074.3); short protein forms A1367V, A1413V.
Identifiers: ClinVar variation 1737855 (VCV001737855.2), dbSNP rs2521886050, ClinGen allele CA338317526.

ClinVar aggregate classification (germline): Uncertain significance (1 of 4 stars; one submission).

Submission:

Ambry Genetics
Classification: Uncertain significance. Last evaluated: 2022-10-12. Review status: criteria provided, single submitter. Criteria: Ambry Variant Classification Scheme 2023. Collection method: clinical testing. Allele origin: germline.
Comment: The p.A1367V variant (also known as c.4100C>T), located in coding exon 37 of the KIF1B gene, results from a C to T substitution at nucleotide position 4100. The alanine at codon 1367 is replaced by valine, an amino acid with similar properties. This amino acid position is conserved. In addition, this alteration is predicted to be deleterious by in silico analysis. Since supporting evidence is limited at this time, the clinical significance of this alteration remains unclear.